The following is an entry in ClinVar:

NM_020719.3(PRR12):c.3778C>G (p.Arg1260Gly)

Gene: PRR12 (proline rich 12; plus strand). Cytogenetic location: 19q13.33.
Variant type: single nucleotide variant.
Coding change: c.3778C>G on transcript NM_020719.3 (MANE Select); coding-DNA position 3778, C replaced by G.
Protein change: p.Arg1260Gly; replaces arginine 1260 with glycine.
Molecular consequence: missense variant.
Genome position (GRCh38, 1-based): chr19:49,599,371, C>G. VCF-style: chr19-49599371-C-G. GRCh37 (hg19) VCF-style: chr19-50102628-C-G.
Other names: short protein forms R1260G.
Identifiers: ClinVar variation 2502627 (VCV002502627.1), dbSNP rs746321668, ClinGen allele CA406886848.

ClinVar aggregate classification (germline): Uncertain significance (1 of 4 stars; one submission).

Submission:

GeneDx
Classification: Uncertain significance. Last evaluated: 2022-11-17. Review status: criteria provided, single submitter. Criteria: GeneDx Variant Classification Process June 2021. Collection method: clinical testing. Allele origin: germline. Affected: yes.
Comment: Not observed at significant frequency in large population cohorts (gnomAD); In silico analysis supports that this missense variant has a deleterious effect on protein structure/function; Has not been previously published as pathogenic or benign to our knowledge